The following is an entry in ClinVar:

ClinVar aggregate classification (germline): Pathogenic (1 of 4 stars; one submission).

Submission:

Labcorp Genetics (formerly Invitae), Labcorp
Classification: Pathogenic. Last evaluated: 2023-04-04. Review status: criteria provided, single submitter. Criteria: Invitae Variant Classification Sherloc (09022015). Collection method: clinical testing. Allele origin: germline.
Comment: For these reasons, this variant has been classified as Pathogenic. Algorithms developed to predict the effect of sequence changes on RNA splicing suggest that this variant may disrupt the consensus splice site. This variant has not been reported in the literature in individuals affected with ABCA3-related conditions. This variant is not present in population databases (gnomAD no frequency). This sequence change creates a premature translational stop signal (p.Glu144*) in the ABCA3 gene. It is expected to result in an absent or disrupted protein product. Loss-of-function variants in ABCA3 are known to be pathogenic (PMID: 27516224).

Literature cited by the submitters: PubMed 27516224.

NM_001089.3(ABCA3):c.430G>T (p.Glu144Ter)

Gene: ABCA3 (ATP binding cassette subfamily A member 3; minus strand). Cytogenetic location: 16p13.3.
Variant type: single nucleotide variant.
Coding change: c.430G>T on transcript NM_001089.3 (MANE Select); coding-DNA position 430, G replaced by T.
Protein change: p.Glu144Ter; replaces glutamic acid 144 with a stop codon.
Molecular consequence: nonsense.
Genome position (GRCh38, 1-based): chr16:2,324,421, C>A on the plus strand (G>T on the coding strand, the complement: ABCA3 is on the minus strand). VCF-style: chr16-2324421-C-A. GRCh37 (hg19) VCF-style: chr16-2374422-C-A.
Other names: short protein forms E144*.
Identifiers: ClinVar variation 2852107 (VCV002852107.3), dbSNP rs2505675549, ClinGen allele CA394350437.
Genomic context (GRCh38, chr16:2,324,421, plus strand): 5'-TTGCTGATGGGCTGTGACTGCTCGGCCCGGCCGCACGTCTCACCGCCAGCGGCAGGGGCT[C>A]CTTGCTGTGGTTGAAGGGGTGCTCGAAGACCACGGCGGCCAGCACGCTGGACGAGCAGTT-3'